The following is an entry in ClinVar:

NM_006415.4(SPTLC1):c.801C>G (p.Tyr267Ter)

Gene: SPTLC1 (serine palmitoyltransferase long chain base subunit 1; minus strand). Cytogenetic location: 9q22.31.
Variant type: single nucleotide variant.
Coding change: c.801C>G on transcript NM_006415.4 (MANE Select); coding-DNA position 801, C replaced by G.
Protein change: p.Tyr267Ter; replaces tyrosine 267 with a stop codon.
Molecular consequence: nonsense.
Genome position (GRCh38, 1-based): chr9:92,050,047, G>C on the plus strand (C>G on the coding strand, the complement: SPTLC1 is on the minus strand). VCF-style: chr9-92050047-G-C. GRCh37 (hg19) VCF-style: chr9-94812329-G-C.
Other names: c.801C>G, p.Tyr267Ter (NM_001281303.2); c.435C>G, p.Tyr145Ter (NM_001368272.1); c.336C>G, p.Tyr112Ter (NM_001368273.1); short protein forms Y145*, Y267*, Y112*.
Identifiers: ClinVar variation 2131529 (VCV002131529.4), dbSNP rs1833654645, ClinGen allele CA373793895.

ClinVar aggregate classification (germline): Uncertain significance (1 of 4 stars; one submission).

Conditions:
Hereditary sensory and autonomic neuropathy type 1 (HSAN1). Also called: HSAN 1; HSN Type I; Hereditary Sensory Neuropathy Type I. Identifiers: Orphanet 36386, MedGen C0020071, MONDO:0018213.

Submission:

Labcorp Genetics (formerly Invitae), Labcorp
Classification: Uncertain significance for Hereditary sensory and autonomic neuropathy type 1. Last evaluated: 2022-04-28. Review status: criteria provided, single submitter. Criteria: Invitae Variant Classification Sherloc (09022015). Collection method: clinical testing. Allele origin: germline.
Comment: In summary, the available evidence is currently insufficient to determine the role of this variant in disease. Therefore, it has been classified as a Variant of Uncertain Significance. Algorithms developed to predict the effect of sequence changes on RNA splicing suggest that this variant may disrupt the consensus splice site. This sequence change creates a premature translational stop signal (p.Tyr267*) in the SPTLC1 gene. It is expected to result in an absent or disrupted protein product. However, the current clinical and genetic evidence is not sufficient to establish whether loss-of-function variants in SPTLC1 cause disease. This variant is not present in population databases (gnomAD no frequency). This variant has not been reported in the literature in individuals affected with SPTLC1-related conditions.